The following is an entry in ClinVar:

ClinVar aggregate classification (germline): Conflicting classifications of pathogenicity. Review status: criteria provided, conflicting classifications (1 of 4 stars). 2 submissions from 2 submitters: Likely pathogenic (1); Uncertain significance (1). Last evaluated 2022-06-01.

Conditions:
RAD50-related disorder. Also called: RAD50-related condition.
Hereditary cancer-predisposing syndrome. Also called: Hereditary neoplastic syndrome; Tumor predisposition; Hereditary Cancer Syndrome; Neoplastic Syndromes, Hereditary. Identifiers: Orphanet 140162, MedGen C0027672, MeSH D009386, MONDO:0015356.

Submissions (2):

Labcorp Genetics (formerly Invitae), Labcorp
Classification: Uncertain significance for Hereditary cancer-predisposing syndrome. Last evaluated: 2022-06-01. Review status: criteria provided, single submitter. Criteria: Invitae Variant Classification Sherloc (09022015). Collection method: clinical testing. Allele origin: germline.
Comment: In summary, the available evidence is currently insufficient to determine the role of this variant in disease. Therefore, it has been classified as a Variant of Uncertain Significance. Variants that disrupt the consensus splice site are a relatively common cause of aberrant splicing (PMID: 17576681, 9536098). Studies have shown that this variant is associated with altered splicing resulting in unknown protein product impact (Invitae). This variant has not been reported in the literature in individuals affected with RAD50-related conditions. This variant is not present in population databases (gnomAD no frequency). This sequence change falls in intron 10 of the RAD50 gene. It does not directly change the encoded amino acid sequence of the RAD50 protein. It affects a nucleotide within the consensus splice site.

Blueprint Genetics
Classification: Likely pathogenic for RAD50-related disorders. Last evaluated: 2020-02-28. Review status: criteria provided, single submitter. Criteria: ACMG Guidelines, 2015. Collection method: clinical testing. Allele origin: germline. Affected: yes. Observed: 1 variant allele.

Literature cited by the submitters: PubMed 17576681 (cited by Labcorp Genetics (formerly Invitae), Labcorp); PubMed 9536098 (cited by Labcorp Genetics (formerly Invitae), Labcorp).

NM_005732.4(RAD50):c.1635+5G>A

Gene: RAD50 (RAD50 double strand break repair protein; plus strand). Cytogenetic location: 5q31.1.
Variant type: single nucleotide variant.
Coding change: c.1635+5G>A on transcript NM_005732.4 (MANE Select); 5 bases into the intron after coding-DNA position 1635, G replaced by A.
Molecular consequence: intron variant.
Genome position (GRCh38, 1-based): chr5:132,591,411, G>A. VCF-style: chr5-132591411-G-A. GRCh37 (hg19) VCF-style: chr5-131927103-G-A.
Identifiers: ClinVar variation 1927625 (VCV001927625.6), dbSNP rs1580994525, ClinGen allele CA2580072728.